The following is an entry in ClinVar:

ClinVar aggregate classification (germline): Uncertain significance. Review status: criteria provided, multiple submitters, no conflicts (2 of 4 stars). 2 submissions from 2 submitters: Uncertain significance (2). Last evaluated 2024-03-18.

Allele frequency attached by ClinVar (database versions not stated): gnomAD exomes below 0.00001 and 0.00002; TOPMed below 0.00001; gnomAD 0.00001.

Submissions (2):

GeneDx
Classification: Uncertain significance. Last evaluated: 2024-03-18. Review status: criteria provided, single submitter. Criteria: GeneDx Variant Classification Process June 2021. Collection method: clinical testing. Allele origin: germline. Affected: yes.
Comment: Not observed at significant frequency in large population cohorts (gnomAD); In silico analysis supports that this missense variant does not alter protein structure/function; Has not been previously published as pathogenic or benign to our knowledge

Labcorp Genetics (formerly Invitae), Labcorp
Classification: Uncertain significance. Last evaluated: 2023-08-07. Review status: criteria provided, single submitter. Criteria: Invitae Variant Classification Sherloc (09022015). Collection method: clinical testing. Allele origin: germline.
Comment: This sequence change replaces isoleucine, which is neutral and non-polar, with valine, which is neutral and non-polar, at codon 1138 of the CACNA1D protein (p.Ile1138Val). This variant is present in population databases (no rsID available, gnomAD 0.0009%). In summary, the available evidence is currently insufficient to determine the role of this variant in disease. Therefore, it has been classified as a Variant of Uncertain Significance. Advanced modeling of protein sequence and biophysical properties (such as structural, functional, and spatial information, amino acid conservation, physicochemical variation, residue mobility, and thermodynamic stability) performed at Invitae indicates that this missense variant is not expected to disrupt CACNA1D protein function. ClinVar contains an entry for this variant (Variation ID: 1468280). This variant has not been reported in the literature in individuals affected with CACNA1D-related conditions.

NM_001128840.3(CACNA1D):c.3352A>G (p.Ile1118Val)

Genes: CACNA1D (calcium voltage-gated channel subunit alpha1 D; plus strand), LOC129936904 (ATAC-STARR-seq lymphoblastoid active region 19969; plus strand). Cytogenetic location: 3p21.1.
Variant type: single nucleotide variant.
Coding change: c.3352A>G on transcript NM_001128840.3 (MANE Select); coding-DNA position 3352, A replaced by G.
Protein change: p.Ile1118Val; replaces isoleucine 1118 with valine.
Molecular consequence: missense variant.
Genome position (GRCh38, 1-based): chr3:53,749,305, A>G. VCF-style: chr3-53749305-A-G. GRCh37 (hg19) VCF-style: chr3-53783332-A-G.
Other names: c.3412A>G (NM_000720.2); c.3412A>G, p.Ile1138Val (NM_000720.4); c.3352A>G, p.Ile1118Val (NM_001128839.3); short protein forms I1118V, I1138V.
Identifiers: ClinVar variation 1468280 (VCV001468280.7), dbSNP rs1156678099, ClinGen allele CA353248510.
Genomic context (GRCh38, chr3:53,749,305, plus strand): 5'-TCACTTGGTTTTTCTCTCTCTAGGTTGCTGTATAAAGCCATCGACTCGAATGGAGAGAAC[A>G]TCGGCCCAATCTACAACCACCGCGTGGAGATCTCCATCTTCTTCATCATCTACATCATCA-3'
Protein context (NP_001122312.1, residues 1108-1128): YKAIDSNGEN[Ile1118Val]GPIYNHRVEI